The following is an entry in ClinVar:

NM_000051.4(ATM):c.-18G>C

Gene: ATM (ATM serine/threonine kinase; plus strand). Cytogenetic location: 11q22.3.
Variant type: single nucleotide variant.
Coding change: c.-18G>C on transcript NM_000051.4 (MANE Select); 18 bases upstream of the start codon, G replaced by C.
Molecular consequence: 5 prime UTR variant.
Genome position (GRCh38, 1-based): chr11:108,227,607, G>C. VCF-style: chr11-108227607-G-C. GRCh37 (hg19) VCF-style: chr11-108098334-G-C.
Other names: c.-18G>C (NM_001351834.2, NM_001351835.2, NM_001351836.2).
Identifiers: ClinVar variation 381925 (VCV000381925.1), dbSNP rs374303671, ClinGen allele CA6264493.

ClinVar aggregate classification (germline): Likely benign (1 of 4 stars; one submission).

gnomAD v4.1: 1 of 1,610,616 alleles (0.000062%); highest among the groups gnomAD compares: Admixed American, 0.0017%; no homozygotes.

Submission:

GeneDx
Classification: Likely benign. Last evaluated: 2016-04-14. Review status: criteria provided, single submitter. Criteria: GeneDx Variant Classification (06012015). Collection method: clinical testing. Allele origin: germline. Affected: yes.
Comment: This variant is considered likely benign or benign based on one or more of the following criteria: it is a conservative change, it occurs at a poorly conserved position in the protein, it is predicted to be benign by multiple in silico algorithms, and/or has population frequency not consistent with disease.